The following is an entry in ClinVar:

NM_152281.3(GORAB):c.626G>A (p.Arg209Gln)

Gene: GORAB (golgin, RAB6 interacting; plus strand). Cytogenetic location: 1q24.2.
Variant type: single nucleotide variant.
Coding change: c.626G>A on transcript NM_152281.3 (MANE Select); coding-DNA position 626, G replaced by A.
Protein change: p.Arg209Gln; replaces arginine 209 with glutamine.
Molecular consequence: missense variant. On other transcripts: non-coding transcript variant (1).
Genome position (GRCh38, 1-based): chr1:170,544,809, G>A. VCF-style: chr1-170544809-G-A. GRCh37 (hg19) VCF-style: chr1-170513950-G-A.
Other names: c.626G>A, p.Arg209Gln (NM_001146039.2); c.161G>A, p.Arg54Gln (NM_001320252.2); short protein forms R234Q, R54Q, R209Q.
Identifiers: ClinVar variation 293658 (VCV000293658.10), dbSNP rs200802067, ClinGen allele CA1239185.

ClinVar aggregate classification (germline): Uncertain significance. Review status: criteria provided, multiple submitters, no conflicts (2 of 4 stars). 5 submissions from 5 submitters: Uncertain significance (5). Last evaluated 2026-07-01.

Conditions:
Geroderma osteodysplastica (GO). Also called: WALT DISNEY DWARFISM; Geroderma osteodysplasticum. Identifiers: Orphanet 2078, MedGen C0432255, MONDO:0009271, OMIM 231070.
Inborn genetic diseases. Identifiers: MedGen C0950123, MeSH D030342.

Allele frequency attached by ClinVar (database versions not stated): gnomAD exomes 0.00008 and 0.00013; gnomAD 0.00011 and 0.00012; TOPMed 0.00013.
gnomAD v4.1: 199 of 1,613,848 alleles (0.012%); highest among the groups gnomAD compares: Non-Finnish European, 0.016%; no homozygotes.

Submissions (5):

CeGaT Center for Human Genetics Tuebingen
Classification: Uncertain significance. Last evaluated: 2026-07-01. Review status: criteria provided, single submitter. Criteria: CeGaT Center For Human Genetics Tuebingen Variant Classification Criteria Version 2. Collection method: clinical testing. Allele origin: germline. Affected: yes. Observed: 1 variant allele.
Comment: GORAB: PM2

Ambry Genetics
Classification: Uncertain significance for Inborn genetic diseases. Last evaluated: 2024-11-11. Review status: criteria provided, single submitter. Criteria: Ambry Variant Classification Scheme 2023. Collection method: clinical testing. Allele origin: germline.

Genome-Nilou Lab
Classification: Uncertain significance for Geroderma osteodysplastica. Last evaluated: 2023-04-11. Review status: criteria provided, single submitter. Criteria: ACMG Guidelines, 2015. Collection method: clinical testing. Allele origin: germline. Affected: no.

Labcorp Genetics (formerly Invitae), Labcorp
Classification: Uncertain significance. Last evaluated: 2022-08-23. Review status: criteria provided, single submitter. Criteria: Invitae Variant Classification Sherloc (09022015). Collection method: clinical testing. Allele origin: germline.
Comment: This sequence change replaces arginine, which is basic and polar, with glutamine, which is neutral and polar, at codon 234 of the GORAB protein (p.Arg234Gln). This variant is present in population databases (rs200802067, gnomAD 0.01%). This variant has not been reported in the literature in individuals affected with GORAB-related conditions. ClinVar contains an entry for this variant (Variation ID: 293658). Algorithms developed to predict the effect of missense changes on protein structure and function are either unavailable or do not agree on the potential impact of this missense change (SIFT: "Tolerated"; PolyPhen-2: "Possibly Damaging"; Align-GVGD: "Class C0"). In summary, the available evidence is currently insufficient to determine the role of this variant in disease. Therefore, it has been classified as a Variant of Uncertain Significance.

Illumina Laboratory Services, Illumina
Classification: Uncertain significance for Geroderma osteodysplastica. Last evaluated: 2018-01-13. Review status: criteria provided, single submitter. Criteria: ICSL Variant Classification Criteria 13 December 2019. Collection method: clinical testing. Allele origin: germline.